The following is an entry in ClinVar:

ClinVar aggregate classification (germline): Conflicting classifications of pathogenicity. Review status: criteria provided, conflicting classifications (1 of 4 stars). 2 submissions from 2 submitters: Uncertain significance (1); Likely benign (1). Last evaluated 2022-08-30.

Allele frequency attached by ClinVar (database versions not stated): TOPMed below 0.00001; ExAC 0.00001; gnomAD 0.00001; gnomAD exomes 0.00001 and 0.00003; ESP Exome Variant Server 0.00008.
gnomAD v4.1: 43 of 1,614,044 alleles (0.0027%); highest among the groups gnomAD compares: Non-Finnish European, 0.0031%; no homozygotes.

Submissions (2):

Blueprint Genetics
Classification: Likely benign. Last evaluated: 2022-08-30. Review status: criteria provided, single submitter. Criteria: ACMG Guidelines, 2015. Collection method: clinical testing. Allele origin: germline.

Labcorp Genetics (formerly Invitae), Labcorp
Classification: Uncertain significance. Last evaluated: 2022-08-23. Review status: criteria provided, single submitter. Criteria: Invitae Variant Classification Sherloc (09022015). Collection method: clinical testing. Allele origin: germline.
Comment: This sequence change replaces leucine, which is neutral and non-polar, with proline, which is neutral and non-polar, at codon 130 of the ANLN protein (p.Leu130Pro). This variant is present in population databases (rs199636276, gnomAD 0.003%). This variant has not been reported in the literature in individuals affected with ANLN-related conditions. ClinVar contains an entry for this variant (Variation ID: 1506992). Algorithms developed to predict the effect of missense changes on protein structure and function output the following: SIFT: "Tolerated"; PolyPhen-2: "Benign"; Align-GVGD: "Class C0". The proline amino acid residue is found in multiple mammalian species, which suggests that this missense change does not adversely affect protein function. In summary, the available evidence is currently insufficient to determine the role of this variant in disease. Therefore, it has been classified as a Variant of Uncertain Significance.

NM_018685.5(ANLN):c.389T>C (p.Leu130Pro)

Gene: ANLN (anillin, actin binding protein; plus strand). Cytogenetic location: 7p14.2.
Variant type: single nucleotide variant.
Coding change: c.389T>C on transcript NM_018685.5 (MANE Select); coding-DNA position 389, T replaced by C.
Protein change: p.Leu130Pro; replaces leucine 130 with proline.
Molecular consequence: missense variant.
Genome position (GRCh38, 1-based): chr7:36,399,295, T>C. VCF-style: chr7-36399295-T-C. GRCh37 (hg19) VCF-style: chr7-36438904-T-C.
Other names: c.389T>C, p.Leu130Pro (NM_001284301.3, NM_001284302.3); short protein forms L130P.
Identifiers: ClinVar variation 1506992 (VCV001506992.9), dbSNP rs199636276, ClinGen allele CA4219334.